The following is an entry in ClinVar:

ClinVar aggregate classification (germline): Benign/Likely benign. Review status: criteria provided, multiple submitters, no conflicts (2 of 4 stars). 3 submissions from 3 submitters: Benign (1); Likely benign (2). Last evaluated 2026-02-04.

Conditions:
Congenital ichthyosis of skin. Identifiers: MedGen C0020758.

Allele frequency attached by ClinVar (database versions not stated): gnomAD 0.00036 and 0.00042; TOPMed 0.00102; 1000 Genomes Project 30x 0.00234; 1000 Genomes Project 0.00280.
gnomAD v4.1: 602 of 1,613,640 alleles (0.037%); highest among the groups gnomAD compares: East Asian, 0.91%; 12 homozygotes.

Submissions (3):

Labcorp Genetics (formerly Invitae), Labcorp
Classification: Benign. Last evaluated: 2026-02-04. Review status: criteria provided, single submitter. Criteria: Invitae Variant Classification Sherloc (09022015). Collection method: clinical testing. Allele origin: germline.

Blueprint Genetics
Classification: Likely benign. Last evaluated: 2024-11-18. Review status: criteria provided, single submitter. Criteria: ACMG Guidelines, 2015. Collection method: clinical testing. Allele origin: germline.

Illumina Laboratory Services, Illumina
Classification: Likely benign for Congenital ichthyosis of skin. Last evaluated: 2018-01-13. Review status: criteria provided, single submitter. Criteria: ICSL Variant Classification Criteria 13 December 2019. Collection method: clinical testing. Allele origin: germline.
Comment: This variant was observed in the ICSL laboratory as part of a predisposition screen in an ostensibly healthy population. It had not been previously curated by ICSL or reported in the Human Gene Mutation Database (HGMD: prior to June 1st, 2018), and was therefore a candidate for classification through an automated scoring system. Utilizing variant allele frequency, disease prevalence and penetrance estimates, and inheritance mode, an automated score was calculated to assess if this variant is too frequent to cause the disease. Based on the score and internal cut-off values, a variant classified as likely benign is not then subjected to further curation. The score for this variant resulted in a classification of likely benign for this disease.

NM_173076.3(ABCA12):c.974C>T (p.Ser325Phe)

Gene: ABCA12 (ATP binding cassette subfamily A member 12; minus strand). Cytogenetic location: 2q35.
Variant type: single nucleotide variant.
Coding change: c.974C>T on transcript NM_173076.3 (MANE Select); coding-DNA position 974, C replaced by T.
Protein change: p.Ser325Phe; replaces serine 325 with phenylalanine.
Molecular consequence: missense variant. On other transcripts: non-coding transcript variant (1).
Genome position (GRCh38, 1-based): chr2:215,036,964, G>A on the plus strand (C>T on the coding strand, the complement: ABCA12 is on the minus strand). VCF-style: chr2-215036964-G-A. GRCh37 (hg19) VCF-style: chr2-215901688-G-A.
Other names: short protein forms S325F.
Identifiers: ClinVar variation 719072 (VCV000719072.12), dbSNP rs138402017, ClinGen allele CA2092398.